The following is an entry in ClinVar:

NM_001394998.1(TANC2):c.1A>G (p.Met1Val)

Gene: TANC2 (tetratricopeptide repeat, ankyrin repeat and coiled-coil containing 2; plus strand). Cytogenetic location: 17q23.2.
Variant type: single nucleotide variant.
Coding change: c.1A>G on transcript NM_001394998.1 (MANE Select); coding-DNA position 1, A replaced by G.
Protein change: p.Met1Val; changes the start codon (methionine 1).
Molecular consequence: missense variant, initiator codon variant.
Genome position (GRCh38, 1-based): chr17:63,009,560, A>G. VCF-style: chr17-63009560-A-G. GRCh37 (hg19) VCF-style: chr17-61086921-A-G.
Other names: c.1A>G, p.Met1Val (NM_001411076.1, NM_025185.4); short protein forms M1V.
Identifiers: ClinVar variation 3341385 (VCV003341385.1).

ClinVar aggregate classification (germline): Uncertain significance (1 of 4 stars; one submission).

Conditions:
Intellectual developmental disorder with autistic features and language delay, with or without seizures. Identifiers: MedGen C5394447, MONDO:0030051, OMIM 618906.

Submission:

Neuberg Centre For Genomic Medicine, NCGM
Classification: Uncertain significance for Intellectual developmental disorder with autistic features and language delay, with or without seizures. Last evaluated: 2023-05-20. Review status: criteria provided, single submitter. Criteria: ACMG Guidelines, 2015. Collection method: clinical testing. Allele origin: germline. Inheritance: Autosomal dominant inheritance. Affected: yes.
Comment: The observed missense variant c.1A>G(p.Met1?) in TANC2 gene has not been reported previously as a pathogenic variant nor as a benign variant, to our knowledge. The c.1A>G(p.Met1?) variant is absent in gnomAD Exomes. The p.Met1? variant is predicted to disrupt the initiation codon, and thus potentially may interfere with protein expression. Computational evidence (Polyphen, SIFT and Mutation Taster) predicts conflicting evidence on protein structure and function for this variant. For these reasons, this variant has been classified as Uncertain Significance.